The following is an entry in ClinVar:

NM_017433.5(MYO3A):c.4073G>A (p.Arg1358Gln)

Gene: MYO3A (myosin IIIA; plus strand). Cytogenetic location: 10p12.1.
Variant type: single nucleotide variant.
Coding change: c.4073G>A on transcript NM_017433.5 (MANE Select); coding-DNA position 4073, G replaced by A.
Protein change: p.Arg1358Gln; replaces arginine 1358 with glutamine.
Molecular consequence: missense variant.
Genome position (GRCh38, 1-based): chr10:26,174,337, G>A. VCF-style: chr10-26174337-G-A. GRCh37 (hg19) VCF-style: chr10-26463266-G-A.
Other names: short protein forms R1358Q.
Identifiers: ClinVar variation 227670 (VCV000227670.11), dbSNP rs141903506, ClinGen allele CA5445372.

ClinVar aggregate classification (germline): Conflicting classifications of pathogenicity. Review status: criteria provided, conflicting classifications (1 of 4 stars). 5 submissions from 5 submitters: Uncertain significance (4); Likely benign (1). Last evaluated 2026-07-08.

Conditions:
MYO3A-related disorder. Also called: MYO3A-related condition.
Inborn genetic diseases. Identifiers: MedGen C0950123, MeSH D030342.

Allele frequency attached by ClinVar (database versions not stated): gnomAD exomes 0.00005; ExAC 0.00006; ESP Exome Variant Server 0.00008; 1000 Genomes Project 30x 0.00016; gnomAD 0.00019 and 0.00020; TOPMed 0.00019; 1000 Genomes Project 0.00020.
gnomAD v4.1: 62 of 1,614,134 alleles (0.0038%); highest among the groups gnomAD compares: African/African-American, 0.053%; no homozygotes.

Submissions (5):

PreventionGenetics, part of Exact Sciences
Classification: Uncertain significance for MYO3A-related condition. Last evaluated: 2026-07-08. Review status: criteria provided, single submitter. Criteria: ACMG Guidelines, 2015. Collection method: clinical testing. Allele origin: germline.
Comment: The MYO3A c.4073G>A variant is predicted to result in the amino acid substitution p.Arg1358Gln. To our knowledge, this variant has not been reported in literature. This variant has been reported at a frequency of ~0.071% in individuals of African origin in a large population database, which may be too frequent to be a primary cause of disease. Although we suspect that this variant may be benign, the clinical significance of this variant is currently classified as uncertain.

Ambry Genetics
Classification: Uncertain significance for Inborn genetic diseases. Last evaluated: 2025-01-19. Review status: criteria provided, single submitter. Criteria: Ambry Variant Classification Scheme 2023. Collection method: clinical testing. Allele origin: germline.

Labcorp Genetics (formerly Invitae), Labcorp
Classification: Uncertain significance. Last evaluated: 2023-12-27. Review status: criteria provided, single submitter. Criteria: Invitae Variant Classification Sherloc (09022015). Collection method: clinical testing. Allele origin: germline.
Comment: This sequence change replaces arginine, which is basic and polar, with glutamine, which is neutral and polar, at codon 1358 of the MYO3A protein (p.Arg1358Gln). This variant is present in population databases (rs141903506, gnomAD 0.07%). This variant has not been reported in the literature in individuals affected with MYO3A-related conditions. ClinVar contains an entry for this variant (Variation ID: 227670). Advanced modeling of protein sequence and biophysical properties (such as structural, functional, and spatial information, amino acid conservation, physicochemical variation, residue mobility, and thermodynamic stability) performed at Invitae indicates that this missense variant is not expected to disrupt MYO3A protein function with a negative predictive value of 80%. In summary, the available evidence is currently insufficient to determine the role of this variant in disease. Therefore, it has been classified as a Variant of Uncertain Significance.

GeneDx
Classification: Uncertain significance. Last evaluated: 2019-07-26. Review status: criteria provided, single submitter. Criteria: GeneDx Variant Classification Process June 2021. Collection method: clinical testing. Allele origin: germline. Affected: yes.
Comment: In silico analysis, which includes protein predictors and evolutionary conservation, supports that this variant does not alter protein structure/function; Has not been previously published as pathogenic or benign to our knowledge

Laboratory for Molecular Medicine, Mass General Brigham Personalized Medicine
Classification: Likely benign. Last evaluated: 2015-04-30. Review status: criteria provided, single submitter. Criteria: LMM Criteria. Collection method: clinical testing. Allele origin: germline. Observed: 1 variant allele.
Comment: p.Arg1358Gln in exon 30 of MYO3A: This variant is not expected to have clinical significance due to a lack of conservation across species, including mammals. Of note, 3 mammals (orangutan, golden hamster and mouse) have a glutamine (Gln) at this position despite high nearby amino acid conservation. In addition, computa tional analyses do not suggest a high likelihood of impact to the protein and th is variant has been identified in 6/10406 of African American chromosomes by the Exome Aggregation Consortium (ExAC; dbSNP rs141 903506).